The following is an entry in ClinVar:

NM_015272.5(RPGRIP1L):c.3545del (p.Pro1182fs)

Gene: RPGRIP1L (RPGRIP1 like; minus strand). Cytogenetic location: 16q12.2.
Variant type: Deletion.
Coding change: c.3545del on transcript NM_015272.5 (MANE Select); coding-DNA position 3545, one base deleted (C; older notation c.3545delC).
Protein change: p.Pro1182fs; shifts the reading frame from proline 1182.
Molecular consequence: frameshift variant.
Genome position (GRCh38, 1-based): chr16:53,619,096, G deleted on the plus strand (C on the coding strand, the reverse complement: RPGRIP1L is on the minus strand); the first of 2 consecutive G bases (chr16:53,619,096-53,619,097); deleting either gives the same sequence. VCF-style (leftmost placement, unchanged base first): chr16-53619095-AG-A. GRCh37 (hg19) VCF-style: chr16-53653007-AG-A.
Other names: c.3305del, p.Pro1102fs (NM_001127897.4); c.3407del, p.Pro1136fs (NM_001308334.3); c.3443del, p.Pro1148fs (NM_001330538.2); c.3545del (NM_015272.4); short protein forms P1102fs, P1136fs, P1148fs, P1182fs.
Identifiers: ClinVar variation 1323533 (VCV001323533.5), dbSNP rs2150964472, ClinGen allele CA2573054241.

ClinVar aggregate classification (germline): Pathogenic. Review status: criteria provided, multiple submitters, no conflicts (2 of 4 stars). 2 submissions from 2 submitters: Pathogenic (2). Last evaluated 2024-08-01.

Conditions:
Joubert syndrome. Also called: CEREBELLOPARENCHYMAL DISORDER IV; JOUBERT-BOLTSHAUSER SYNDROME; Familial aplasia of the vermis. Identifiers: Orphanet 475, MedGen C5979921, MONDO:0018772.

Submissions (2):

Natera, Inc.
Classification: Pathogenic for Joubert syndrome. Last evaluated: 2024-08-01. Review status: criteria provided, single submitter. Criteria: Natera Variant Classification Schema (03/2026). Collection method: clinical testing. Allele origin: germline.
Comment: The c.3545del variant in RPGRIP1L is a frameshift variant predicted to shift the reading frame beginning at codon 1182 and leads to a stop codon 25 codons downstream. This variant is expected to result in nonsense mediated decay, truncation, or a dysfunctional protein product. This variant is rare in the general population with a frequency below the threshold expected for the associated phenotype(s). This variant has been observed in one or more individuals affected with the associated recessive disease, as either homozygous or compound heterozygous with a second variant (PMID: 38013309). Given the available evidence, this variant is classified as Pathogenic.

Revvity Omics, Revvity
Classification: Pathogenic. Last evaluated: 2019-09-13. Review status: criteria provided, single submitter. Criteria: ACMG Guidelines, 2015. Collection method: clinical testing. Allele origin: germline.

Literature cited by the submitters: PubMed 38013309 (cited by Natera, Inc.).